The following is an entry in ClinVar:

ClinVar aggregate classification (germline): Uncertain significance (1 of 4 stars; one submission).

Conditions:
Autosomal recessive limb-girdle muscular dystrophy type 2P. Also called: MUSCULAR DYSTROPHY-DYSTROGLYCANOPATHY, LIMB-GIRDLE, DAG1-RELATED; Limb-Girdle Muscular Dystrophy Type 9C; MUSCULAR DYSTROPHY, LIMB-GIRDLE, TYPE 2P. Identifiers: Orphanet 280333, MedGen C4511963, MONDO:0013440, OMIM 613818.
Muscular dystrophy-dystroglycanopathy (congenital with brain and eye anomalies), type A9. Also called: WALKER-WARBURG SYNDROME OR MUSCLE-EYE BRAIN DISEASE, DAG1-RELATED; Muscular dystrophy-dystroglycanopathy (congenital with brain and eye anomalies), type a, 9. Identifiers: Orphanet 370997, Orphanet 899, MedGen C4225291, MONDO:0014683, OMIM 616538.

Submission:

Labcorp Genetics (formerly Invitae), Labcorp
Classification: Uncertain significance for Autosomal recessive limb-girdle muscular dystrophy type 2P; Muscular dystrophy-dystroglycanopathy (congenital with brain and eye anomalies), type A9. Last evaluated: 2019-05-09. Review status: criteria provided, single submitter. Criteria: Invitae Variant Classification Sherloc (09022015). Collection method: clinical testing. Allele origin: germline.
Comment: Algorithms developed to predict the effect of missense changes on protein structure and function are either unavailable or do not agree on the potential impact of this missense change (SIFT: "Deleterious"; PolyPhen-2: "Possibly Damaging"; Align-GVGD: "Class C0"). This variant has not been reported in the literature in individuals with DAG1-related conditions. This variant is not present in population databases (ExAC no frequency). This sequence change replaces tryptophan with cysteine at codon 42 of the DAG1 protein (p.Trp42Cys). The tryptophan residue is moderately conserved and there is a large physicochemical difference between tryptophan and cysteine. In summary, the available evidence is currently insufficient to determine the role of this variant in disease. Therefore, it has been classified as a Variant of Uncertain Significance.

NM_004393.6(DAG1):c.126G>C (p.Trp42Cys)

Gene: DAG1 (dystroglycan 1; plus strand). Cytogenetic location: 3p21.31.
Variant type: single nucleotide variant.
Coding change: c.126G>C on transcript NM_004393.6 (MANE Select); coding-DNA position 126, G replaced by C.
Protein change: p.Trp42Cys; replaces tryptophan 42 with cysteine.
Molecular consequence: missense variant.
Genome position (GRCh38, 1-based): chr3:49,510,660, G>C. VCF-style: chr3-49510660-G-C. GRCh37 (hg19) VCF-style: chr3-49548093-G-C.
Other names: c.126G>C, p.Trp42Cys (NM_001165928.4, NM_001177634.3, NM_001177635.3 and 9 more transcripts); short protein forms W42C.
Identifiers: ClinVar variation 945866 (VCV000945866.7), dbSNP rs2050738653, ClinGen allele CA352800400.